The following is an entry in ClinVar:

NM_003872.3(NRP2):c.2716G>A (p.Glu906Lys)

Gene: NRP2 (neuropilin 2; plus strand). Cytogenetic location: 2q33.3.
Variant type: single nucleotide variant.
Coding change: c.2716G>A on transcript NM_003872.3 (MANE Select); coding-DNA position 2716, G replaced by A.
Protein change: p.Glu906Lys; replaces glutamic acid 906 with lysine.
Molecular consequence: missense variant.
Genome position (GRCh38, 1-based): chr2:205,794,993, G>A. VCF-style: chr2-205794993-G-A. GRCh37 (hg19) VCF-style: chr2-206659717-G-A.
Other names: c.2731G>A, p.Glu911Lys (NM_201266.2); c.2665G>A, p.Glu889Lys (NM_201279.2); short protein forms E889K, E906K, E911K.
Identifiers: ClinVar variation 3355143 (VCV003355143.1).
Genomic context (GRCh38, chr2:205,794,993, plus strand): 5'-ACCTGTTCCTACTCGGGCCTGAGCTCCCGAAGCTGCACCACACTGGAGAACTACAACTTC[G>A]AGCTCTACGATGGCCTTAAGCACAAGGTCAAGATGAACCACCAAAAGTGCTGCTCCGAGG-3'
Protein context (NP_003863.2, residues 896-916): SCTTLENYNF[Glu906Lys]LYDGLKHKVK

ClinVar aggregate classification (germline): Uncertain significance (0 of 4 stars; one submission).

Conditions:
NRP2-related disorder. Also called: NRP2-related condition.

gnomAD v4.1: 12 of 1,614,016 alleles (0.00074%); highest among the groups gnomAD compares: Admixed American, 0.0067%; no homozygotes.

Submission:

PreventionGenetics, part of Exact Sciences
Classification: Uncertain significance for NRP2-related condition. Last evaluated: 2024-08-05. Review status: no assertion criteria provided. Collection method: clinical testing. Allele origin: germline.
Comment: The NRP2 c.2731G>A variant is predicted to result in the amino acid substitution p.Glu911Lys. To our knowledge, this variant has not been reported in the literature. This variant is reported in 0.0085% of alleles in individuals of Latino descent in gnomAD. At this time, the clinical significance of this variant is uncertain due to the absence of conclusive functional and genetic evidence.